The following is an entry in ClinVar:

NM_194302.4(CFAP65):c.2157G>A (p.Pro719=)

Gene: CFAP65 (cilia and flagella associated protein 65; minus strand). Cytogenetic location: 2q35.
Variant type: single nucleotide variant.
Coding change: c.2157G>A on transcript NM_194302.4 (MANE Select); coding-DNA position 2157, G replaced by A.
Protein change: p.Pro719=; no amino-acid change (proline 719 retained).
Molecular consequence: synonymous variant.
Genome position (GRCh38, 1-based): chr2:219,027,704, C>T on the plus strand (G>A on the coding strand, the complement: CFAP65 is on the minus strand). VCF-style: chr2-219027704-C-T. GRCh37 (hg19) VCF-style: chr2-219892426-C-T.
Other names: c.2124G>A, p.Pro708= (NM_001278295.1); c.1962G>A, p.Pro654= (NM_001278296.2).
Identifiers: ClinVar variation 3250525 (VCV003250525.18), dbSNP rs140322077.
Genomic context (GRCh38, chr2:219,027,704, plus strand): 5'-ACACACCTTATAGATGGCGAAGGCTTCGAGCTCCACCGTGTAAAGGCAGTTGGGGTGAGG[C>T]GGCTGGAAGTGCAGGCGCATGGCCATGGACTTGAGTGGGGGCACGTCGCAGCTCTCTGGA-3'
Protein context (NP_919278.2, residues 709-729): KSMAMRLHFQ[Pro719=]PHPNCLYTVE

ClinVar aggregate classification (germline): Likely benign (1 of 4 stars; one submission).

Allele frequency attached by ClinVar (database versions not stated): ExAC 0.00017; ESP Exome Variant Server 0.00023; 1000 Genomes Project 30x 0.00031; gnomAD 0.00033; TOPMed 0.00039; 1000 Genomes Project 0.00040.
gnomAD v4.1: 181 of 1,614,046 alleles (0.011%); highest among the groups gnomAD compares: African/African-American, 0.13%; no homozygotes.

Submission:

CeGaT Center for Human Genetics Tuebingen
Classification: Likely benign. Last evaluated: 2024-06-01. Review status: criteria provided, single submitter. Criteria: CeGaT Center For Human Genetics Tuebingen Variant Classification Criteria Version 2. Collection method: clinical testing. Allele origin: germline. Affected: yes. Observed: 1 variant allele.
Comment: CFAP65: BP4, BP7